The following is an entry in ClinVar:

NM_052865.4(MGME1):c.846T>A (p.Asp282Glu)

Gene: MGME1 (mitochondrial genome maintenance exonuclease 1; plus strand). Cytogenetic location: 20p11.23.
Variant type: single nucleotide variant.
Coding change: c.846T>A on transcript NM_052865.4 (MANE Select); coding-DNA position 846, T replaced by A.
Protein change: p.Asp282Glu; replaces aspartic acid 282 with glutamic acid.
Molecular consequence: missense variant. On other transcripts: intron variant (1).
Genome position (GRCh38, 1-based): chr20:17,988,280, T>A. VCF-style: chr20-17988280-T-A. GRCh37 (hg19) VCF-style: chr20-17968923-T-A.
Other names: c.891T>A, p.Asp297Glu (NM_001310338.2); c.606T>A, p.Asp202Glu (NM_001363738.2); c.512-1659T>A (NM_001310339.2); short protein forms D202E, D282E, D297E.
Identifiers: ClinVar variation 3340247 (VCV003340247.1).
Genomic context (GRCh38, chr20:17,988,280, plus strand): 5'-TCAAAGTACATTTGACAACCCACTGCAAGTTGTGGCATACATGGGTGCCATGAACCATGA[T>A]ACCAACTACAGCTTTCAGGTCAGGACACTGAGCCTTTACTTAAAGCTTTGCTCAATGCTT-3'
Protein context (NP_443097.1, residues 272-292): VVAYMGAMNH[Asp282Glu]TNYSFQVQCG

ClinVar aggregate classification (germline): Uncertain significance (1 of 4 stars; one submission).

gnomAD v4.1: 72 of 1,613,586 alleles (0.0045%); highest among the groups gnomAD compares: Non-Finnish European, 0.0053%; no homozygotes.

Submission:

GeneDx
Classification: Uncertain significance. Last evaluated: 2024-01-08. Review status: criteria provided, single submitter. Criteria: GeneDx Variant Classification Process June 2021. Collection method: clinical testing. Allele origin: germline. Affected: yes.
Comment: Not observed at significant frequency in large population cohorts (gnomAD); In silico analysis supports that this missense variant has a deleterious effect on protein structure/function; Has not been previously published as pathogenic or benign to our knowledge